The following is an entry in ClinVar:

NM_001611.5(ACP5):c.871G>C (p.Gly291Arg)

Gene: ACP5 (acid phosphatase 5, tartrate resistant; minus strand). Cytogenetic location: 19p13.2.
Variant type: single nucleotide variant.
Coding change: c.871G>C on transcript NM_001611.5 (MANE Select); coding-DNA position 871, G replaced by C.
Protein change: p.Gly291Arg; replaces glycine 291 with arginine.
Molecular consequence: missense variant.
Genome position (GRCh38, 1-based): chr19:11,575,117, C>G on the plus strand (G>C on the coding strand, the complement: ACP5 is on the minus strand). VCF-style: chr19-11575117-C-G. GRCh37 (hg19) VCF-style: chr19-11685932-C-G.
Other names: c.871G>C, p.Gly291Arg (NM_001111034.3, NM_001111035.3, NM_001111036.3 and 1 more transcripts); short protein forms G291R.
Identifiers: ClinVar variation 1423891 (VCV001423891.6), dbSNP rs752091275, ClinGen allele CA404145304.
Genomic context (GRCh38, chr19:11,575,117, plus strand): 5'-CCGAGGCCTCGATGTAAGTGACAGTCATCTCTTTGGAGCTGATCTCCACATAGGCAAAGC[C>G]ACCCAGTGAGTCTTCAGTCCCATAGTGGAAGCGCAGATAGCCGTTGGGGACCTTGCGCTG-3'
Protein context (NP_001602.1, residues 281-301): FHYGTEDSLG[Gly291Arg]FAYVEISSKE

ClinVar aggregate classification (germline): Uncertain significance (1 of 4 stars; one submission).

Conditions:
Spondyloenchondrodysplasia with immune dysregulation (SPENCDI). Also called: SPONDYLOENCHONDRODYSPLASIA WITH OR WITHOUT IMMUNE DYSREGULATION; COMBINED IMMUNODEFICIENCY WITH AUTOIMMUNITY AND SPONDYLOMETAPHYSEAL DYSPLASIA; ROIFMAN IMMUNOSKELETAL SYNDROME. Identifiers: Orphanet 1855, MedGen C1842763, MONDO:0011939, OMIM 607944.

Submission:

Labcorp Genetics (formerly Invitae), Labcorp
Classification: Uncertain significance for Spondyloenchondrodysplasia with immune dysregulation. Last evaluated: 2023-07-07. Review status: criteria provided, single submitter. Criteria: Invitae Variant Classification Sherloc (09022015). Collection method: clinical testing. Allele origin: germline.
Comment: Advanced modeling of protein sequence and biophysical properties (such as structural, functional, and spatial information, amino acid conservation, physicochemical variation, residue mobility, and thermodynamic stability) performed at Invitae indicates that this missense variant is expected to disrupt ACP5 protein function. In summary, the available evidence is currently insufficient to determine the role of this variant in disease. Therefore, it has been classified as a Variant of Uncertain Significance. ClinVar contains an entry for this variant (Variation ID: 1423891). This variant has not been reported in the literature in individuals affected with ACP5-related conditions. This variant is not present in population databases (gnomAD no frequency). This sequence change replaces glycine, which is neutral and non-polar, with arginine, which is basic and polar, at codon 291 of the ACP5 protein (p.Gly291Arg).